The following is an entry in ClinVar:

ClinVar aggregate classification (germline): Likely pathogenic (1 of 4 stars; one submission).

Conditions:
Leber congenital amaurosis (LCA). Also called: Leber's amaurosis. Identifiers: Orphanet 65, MedGen C0339527, MeSH D057130, MONDO:0018998.

Submission:

Natera, Inc.
Classification: Likely pathogenic for Leber congenital amaurosis. Last evaluated: 2024-05-15. Review status: criteria provided, single submitter. Criteria: Natera Variant Classification Schema (03/2026). Collection method: clinical testing. Allele origin: germline.
Comment: The c.214del variant in CRB1 is a frameshift variant predicted to shift the reading frame beginning at codon 72 and leads to a stop codon 15 codons downstream. This variant is expected to result in nonsense mediated decay, truncation, or a dysfunctional protein product. This variant is rare in the general population with a frequency below the threshold expected for the associated phenotype(s). Given the available evidence, this variant is classified as Likely Pathogenic.

NM_201253.3(CRB1):c.214del (p.Asp72fs)

Gene: CRB1 (crumbs cell polarity complex component 1; plus strand). Cytogenetic location: 1q31.3.
Variant type: Deletion.
Coding change: c.214del on transcript NM_201253.3 (MANE Select); coding-DNA position 214, one base deleted (G; older notation c.214delG).
Protein change: p.Asp72fs; shifts the reading frame from aspartic acid 72.
Molecular consequence: frameshift variant. On other transcripts: non-coding transcript variant (2).
Genome position (GRCh38, 1-based): chr1:197,328,565, G deleted. VCF-style (leftmost placement, unchanged base first): chr1-197328564-AG-A. GRCh37 (hg19) VCF-style: chr1-197297694-AG-A.
Other names: c.214del, p.Asp72fs (NM_001193640.2, NM_001257966.2); c.7del, p.Asp3fs (NM_001257965.2); short protein forms D3fs, D72fs.
Identifiers: ClinVar variation 4817054 (VCV004817054.1).
Genomic context (GRCh38, chr1:197,328,564, plus strand): 5'-CAATGATTGTTCTTGTTCAGACACAGCCAATAATTTGGACAAAGACTGTGACAACATGAA[AG>A]ACCCTTGCTTCTCCAATCCCTGTCAAGGAAGTGCCACTTGTGTGAACACCCCAGGAGAAA-3'